The following is an entry in ClinVar:

NM_033026.6(PCLO):c.8332C>T (p.Leu2778Phe)

Gene: PCLO (piccolo presynaptic cytomatrix protein; minus strand). Cytogenetic location: 7q21.11.
Variant type: single nucleotide variant.
Coding change: c.8332C>T on transcript NM_033026.6 (MANE Select); coding-DNA position 8332, C replaced by T.
Protein change: p.Leu2778Phe; replaces leucine 2778 with phenylalanine.
Molecular consequence: missense variant.
Genome position (GRCh38, 1-based): chr7:82,952,621, G>A on the plus strand (C>T on the coding strand, the complement: PCLO is on the minus strand). VCF-style: chr7-82952621-G-A. GRCh37 (hg19) VCF-style: chr7-82581937-G-A.
Other names: c.8332C>T, p.Leu2778Phe (NM_014510.3); short protein forms L2778F.
Identifiers: ClinVar variation 1390827 (VCV001390827.5), dbSNP rs780195701, ClinGen allele CA4320139.

ClinVar aggregate classification (germline): Uncertain significance (1 of 4 stars; one submission).

Allele frequency attached by ClinVar (database versions not stated): TOPMed below 0.00001; ExAC 0.00001; gnomAD 0.00001; gnomAD exomes 0.00001.
gnomAD v4.1: 10 of 1,613,800 alleles (0.00062%); highest among the groups gnomAD compares: Non-Finnish European, 0.00085%; no homozygotes.

Submission:

Labcorp Genetics (formerly Invitae), Labcorp
Classification: Uncertain significance. Last evaluated: 2021-08-31. Review status: criteria provided, single submitter. Criteria: Invitae Variant Classification Sherloc (09022015). Collection method: clinical testing. Allele origin: germline.
Comment: This sequence change replaces leucine with phenylalanine at codon 2778 of the PCLO protein (p.Leu2778Phe). The leucine residue is highly conserved and there is a small physicochemical difference between leucine and phenylalanine. This variant is present in population databases (rs780195701, ExAC 0.001%). This variant has not been reported in the literature in individuals affected with PCLO-related conditions. Algorithms developed to predict the effect of missense changes on protein structure and function are either unavailable or do not agree on the potential impact of this missense change (SIFT: "Deleterious"; PolyPhen-2: "Not Available"; Align-GVGD: "Class C0"). In summary, the available evidence is currently insufficient to determine the role of this variant in disease. Therefore, it has been classified as a Variant of Uncertain Significance.